The following is an entry in ClinVar:

NM_001370466.1(NOD2):c.1397C>T (p.Ser466Phe)

Gene: NOD2 (nucleotide binding oligomerization domain containing 2; plus strand). Cytogenetic location: 16q12.1.
Variant type: single nucleotide variant.
Coding change: c.1397C>T on transcript NM_001370466.1 (MANE Select); coding-DNA position 1397, C replaced by T.
Protein change: p.Ser466Phe; replaces serine 466 with phenylalanine.
Molecular consequence: missense variant. On other transcripts: non-coding transcript variant (1).
Genome position (GRCh38, 1-based): chr16:50,711,389, C>T. VCF-style: chr16-50711389-C-T. GRCh37 (hg19) VCF-style: chr16-50745300-C-T.
Other names: c.1397C>T, p.Ser466Phe (NM_001293557.2); c.1478C>T, p.Ser493Phe (NM_022162.3); short protein forms S466F, S493F.
Identifiers: ClinVar variation 2929517 (VCV002929517.3), dbSNP rs1964489589, ClinGen allele CA395869008.

ClinVar aggregate classification (germline): Uncertain significance (1 of 4 stars; one submission).

Conditions:
Regional enteritis. Also called: Enteritis, Granulomatous. Identifiers: MedGen C0678202, MeSH D003424.
Blau syndrome (BLAUS). Also called: ARTHROCUTANEOUVEAL GRANULOMATOSIS; GRANULOMATOSIS, FAMILIAL JUVENILE SYSTEMIC; GRANULOMATOSIS, FAMILIAL, BLAU TYPE; GRANULOMATOUS INFLAMMATORY ARTHRITIS, DERMATITIS, AND UVEITIS, FAMILIAL; JABS SYNDROME. Identifiers: Orphanet 90340, MedGen C5201146, MONDO:0008523, OMIM 186580.

Submission:

Labcorp Genetics (formerly Invitae), Labcorp
Classification: Uncertain significance for Regional enteritis; Blau syndrome. Last evaluated: 2025-06-02. Review status: criteria provided, single submitter. Criteria: Invitae Variant Classification Sherloc (09022015). Collection method: clinical testing. Allele origin: germline.
Comment: This sequence change replaces serine, which is neutral and polar, with phenylalanine, which is neutral and non-polar, at codon 493 of the NOD2 protein (p.Ser493Phe). This variant is not present in population databases (gnomAD no frequency). This variant has not been reported in the literature in individuals affected with NOD2-related conditions. ClinVar contains an entry for this variant (Variation ID: 2929517). Invitae Evidence Modeling of protein sequence and biophysical properties (such as structural, functional, and spatial information, amino acid conservation, physicochemical variation, residue mobility, and thermodynamic stability) has been performed for this missense variant. However, the output from this modeling did not meet the statistical confidence thresholds required to predict the impact of this variant on NOD2 protein function. In summary, the available evidence is currently insufficient to determine the role of this variant in disease. Therefore, it has been classified as a Variant of Uncertain Significance.